The following is an entry in ClinVar:

NM_001077365.2(POMT1):c.1331G>A (p.Arg444His)

Gene: POMT1 (protein O-mannosyltransferase 1; plus strand). Cytogenetic location: 9q34.13.
Variant type: single nucleotide variant.
Coding change: c.1331G>A on transcript NM_001077365.2 (MANE Select); coding-DNA position 1331, G replaced by A.
Protein change: p.Arg444His; replaces arginine 444 with histidine.
Molecular consequence: missense variant. On other transcripts: non-coding transcript variant (10).
Genome position (GRCh38, 1-based): chr9:131,518,503, G>A. VCF-style: chr9-131518503-G-A. GRCh37 (hg19) VCF-style: chr9-134393890-G-A.
Other names: c.1169G>A, p.Arg390His (NM_001077366.2, NM_001353194.2); c.1331G>A, p.Arg444His (NM_001136113.2, NM_001374690.1); c.980G>A, p.Arg327His (NM_001136114.2, NM_001353195.2, NM_001374691.1 and 2 more transcripts); c.1397G>A, p.Arg466His (NM_001353193.2, NM_007171.4); c.1241G>A, p.Arg414His (NM_001353196.2); c.1235G>A, p.Arg412His (NM_001353197.2, NM_001353198.2); c.1046G>A, p.Arg349His (NM_001353199.2); c.875G>A, p.Arg292His (NM_001353200.2); and 2 more; short protein forms R466H, R292H, R444H, R390H, R412H, R414H, R327H, R349H.
Identifiers: ClinVar variation 452467 (VCV000452467.10), dbSNP rs758736387, ClinGen allele CA5293659.

ClinVar aggregate classification (germline): Uncertain significance. Review status: criteria provided, multiple submitters, no conflicts (2 of 4 stars). 2 submissions from 2 submitters: Uncertain significance (2). Last evaluated 2020-11-10.

Conditions:
Autosomal recessive limb-girdle muscular dystrophy type 2K. Also called: MUSCULAR DYSTROPHY, LIMB-GIRDLE, TYPE 2K; MUSCULAR DYSTROPHY-DYSTROGLYCANOPATHY (LIMB-GIRDLE), TYPE C, 1. Identifiers: Orphanet 86812, MedGen C1836373, MONDO:0012248, OMIM 609308.
Walker-Warburg congenital muscular dystrophy. Also called: Muscular dystrophy-dystroglycanopathy, type A; Walker-Warburg syndrome. Identifiers: Orphanet 899, MedGen C0265221, MONDO:0000171.
Muscular dystrophy-dystroglycanopathy (congenital with impaired intellectual development), type B, 1. Also called: Muscular dystrophy-dystroglycanopathy (congenital with intellectual disability), type B1; MUSCULAR DYSTROPHY, CONGENITAL, POMT1-RELATED. Identifiers: MedGen C5436962, MONDO:0013159, OMIM 613155.

Allele frequency attached by ClinVar (database versions not stated): gnomAD 0.00001; gnomAD exomes 0.00001 and below 0.00001; TOPMed 0.00001; ExAC 0.00001.
gnomAD v4.1: 9 of 1,613,772 alleles (0.00056%); highest among the groups gnomAD compares: South Asian, 0.0033%; no homozygotes.

Submissions (2):

Labcorp Genetics (formerly Invitae), Labcorp
Classification: Uncertain significance for Muscular dystrophy-dystroglycanopathy (congenital with impaired intellectual development), type B, 1; Walker-Warburg congenital muscular dystrophy; Autosomal recessive limb-girdle muscular dystrophy type 2K. Last evaluated: 2020-11-10. Review status: criteria provided, single submitter. Criteria: Invitae Variant Classification Sherloc (09022015). Collection method: clinical testing. Allele origin: germline.
Comment: This sequence change replaces arginine with histidine at codon 466 of the POMT1 protein (p.Arg466His). The arginine residue is highly conserved and there is a small physicochemical difference between arginine and histidine. This variant is present in population databases (rs758736387, ExAC 0.006%). This variant has not been reported in the literature in individuals with POMT1-related conditions. ClinVar contains an entry for this variant (Variation ID: 452467). Algorithms developed to predict the effect of missense changes on protein structure and function are either unavailable or do not agree on the potential impact of this missense change (SIFT: "Deleterious"; PolyPhen-2: "Probably Damaging"; Align-GVGD: "Class C0"). In summary, the available evidence is currently insufficient to determine the role of this variant in disease. Therefore, it has been classified as a Variant of Uncertain Significance.

GeneDx
Classification: Uncertain significance. Last evaluated: 2017-10-03. Review status: criteria provided, single submitter. Criteria: GeneDx Variant Classification (06012015). Collection method: clinical testing. Allele origin: germline. Affected: yes.
Comment: A variant of uncertain significance has been identified in the POMT1 gene. The R466H variant has not been published as a pathogenic variant, nor has it been reported as a benign variant to our knowledge. The R466H variant is not observed in large population cohorts (Lek et al., 2016). The R466H variant is a conservative amino acid substitution, which is not likely to impact secondary protein structure as these residues share similar properties. This substitution occurs at a position that is not conserved. However, in silico analysis is inconsistent in its predictions as to whether or not the variant is damaging to the protein structure/function. Therefore, based on the currently available information, it is unclear whether this variant is a pathogenic variant or a rare benign variant.